The following is an entry in ClinVar:

NM_005609.4(PYGM):c.856-2A>C

Gene: PYGM (glycogen phosphorylase, muscle associated; minus strand). Cytogenetic location: 11q13.1.
Variant type: single nucleotide variant.
Coding change: c.856-2A>C on transcript NM_005609.4 (MANE Select); the canonical splice acceptor site of the intron before coding-DNA position 856, A replaced by C.
Molecular consequence: splice acceptor variant.
Genome position (GRCh38, 1-based): chr11:64,754,838, T>G on the plus strand (A>C on the coding strand, the complement: PYGM is on the minus strand). VCF-style: chr11-64754838-T-G. GRCh37 (hg19) VCF-style: chr11-64522310-T-G.
Other names: c.592-2A>C (NM_001164716.1).
Identifiers: ClinVar variation 591946 (VCV000591946.4), dbSNP rs1565536363, ClinGen allele CA381179297.

ClinVar aggregate classification (germline): Likely pathogenic. Review status: criteria provided, single submitter (1 of 4 stars). 2 submissions from 2 submitters: Likely pathogenic (1). 1 of the submissions does not count toward it. Last evaluated 2024-01-04.

Conditions:
Glycogen storage disease, type V (GSD5). Also called: MYOPHOSPHORYLASE DEFICIENCY; PYGM DEFICIENCY; McArdle type glycogen storage disease; MCARDLE DISEASE; MUSCLE GLYCOGEN PHOSPHORYLASE DEFICIENCY. Identifiers: Orphanet 368, MedGen C0017924, MONDO:0009293, OMIM 232600.

Allele frequency attached by ClinVar (database versions not stated): gnomAD exomes below 0.00001.

Submissions (2):

Labcorp Genetics (formerly Invitae), Labcorp
Classification: Likely pathogenic for Glycogen storage disease, type V. Last evaluated: 2024-01-04. Review status: criteria provided, single submitter. Criteria: Invitae Variant Classification Sherloc (09022015). Collection method: clinical testing. Allele origin: germline.
Comment: This sequence change affects an acceptor splice site in intron 7 of the PYGM gene. It is expected to disrupt RNA splicing. Variants that disrupt the donor or acceptor splice site typically lead to a loss of protein function (PMID: 16199547), and loss-of-function variants in PYGM are known to be pathogenic (PMID: 8316268, 16786513). This variant is not present in population databases (gnomAD no frequency). This variant has not been reported in the literature in individuals affected with PYGM-related conditions. ClinVar contains an entry for this variant (Variation ID: 591946). Algorithms developed to predict the effect of sequence changes on RNA splicing suggest that this variant may disrupt the consensus splice site. In summary, the currently available evidence indicates that the variant is pathogenic, but additional data are needed to prove that conclusively. Therefore, this variant has been classified as Likely Pathogenic.

Gharavi Laboratory, Columbia University
Classification: Uncertain significance. Last evaluated: 2018-09-16. Review status: no assertion criteria provided. Criteria: ACMG Guidelines, 2015. Collection method: research. Allele origin: germline. Affected: yes. Not counted in ClinVar's aggregate classification.

Literature cited by the submitters: PubMed 16199547 (cited by Labcorp Genetics (formerly Invitae), Labcorp); PubMed 8316268 (cited by Labcorp Genetics (formerly Invitae), Labcorp); PubMed 16786513 (cited by Labcorp Genetics (formerly Invitae), Labcorp).